The following is an entry in ClinVar:

ClinVar aggregate classification (germline): Pathogenic (1 of 4 stars; one submission).

Conditions:
Epidermodysplasia verruciformis. Identifiers: Orphanet 302, MedGen C0014522, MONDO:0009176.

Submission:

Labcorp Genetics (formerly Invitae), Labcorp
Classification: Pathogenic for Epidermodysplasia verruciformis. Last evaluated: 2022-08-19. Review status: criteria provided, single submitter. Criteria: Invitae Variant Classification Sherloc (09022015). Collection method: clinical testing. Allele origin: germline.
Comment: This variant is not present in population databases (gnomAD no frequency). This sequence change creates a premature translational stop signal (p.Phe566Leufs*14) in the TMC6 gene. It is expected to result in an absent or disrupted protein product. Loss-of-function variants in TMC6 are known to be pathogenic (PMID: 15042430, 17139267). This variant has not been reported in the literature in individuals affected with TMC6-related conditions. For these reasons, this variant has been classified as Pathogenic.

Literature cited by the submitters: PubMed 15042430; PubMed 17139267.

NM_001127198.5(TMC6):c.1698del (p.Phe566fs)

Gene: TMC6 (transmembrane channel like 6; minus strand). Cytogenetic location: 17q25.3.
Variant type: Deletion.
Coding change: c.1698del on transcript NM_001127198.5 (MANE Select); coding-DNA position 1698, one base deleted (T; older notation c.1698delT).
Protein change: p.Phe566fs; shifts the reading frame from phenylalanine 566.
Molecular consequence: frameshift variant. On other transcripts: non-coding transcript variant (4), intron variant (2).
Genome position (GRCh38, 1-based): chr17:78,120,670, A deleted on the plus strand (T on the coding strand, the reverse complement: TMC6 is on the minus strand); the first of 5 consecutive A bases (chr17:78,120,670-78,120,674); deleting any one gives the same sequence. VCF-style (leftmost placement, unchanged base first): chr17-78120669-CA-C. GRCh37 (hg19) VCF-style: chr17-76116750-CA-C.
Other names: c.1698del, p.Phe566fs (NM_001321185.1, NM_001374596.1, NM_001375353.1 and 2 more transcripts); c.1535+343del (NM_001374594.1, NM_001374593.1); short protein forms F566fs.
Identifiers: ClinVar variation 2015434 (VCV002015434.4), dbSNP rs2510469062, ClinGen allele CA2580095241.
Genomic context (GRCh38, chr17:78,120,669, plus strand): 5'-AAGGGGAGAACACTCACCACCCAGTCCGCCCAGGACCCCCTCACCTCCACACCAGTTCCC[CA>C]AAAAGCGTGTCCAGCAACATGAGGACGAAGTCCATCACCAGGAACCGGTACAGCTCCTGG-3'